The following is an entry in ClinVar:

NM_001202.6(BMP4):c.228T>A (p.Ser76Arg)

Gene: BMP4 (bone morphogenetic protein 4; minus strand). Cytogenetic location: 14q22.2.
Variant type: single nucleotide variant.
Coding change: c.228T>A on transcript NM_001202.6 (MANE Select); coding-DNA position 228, T replaced by A.
Protein change: p.Ser76Arg; replaces serine 76 with arginine.
Molecular consequence: missense variant.
Genome position (GRCh38, 1-based): chr14:53,951,995, A>T on the plus strand (T>A on the coding strand, the complement: BMP4 is on the minus strand). VCF-style: chr14-53951995-A-T. GRCh37 (hg19) VCF-style: chr14-54418713-A-T.
Other names: c.369T>A, p.Ser123Arg (NM_001347912.1); c.39T>A, p.Ser13Arg (NM_001347913.2, NM_001347915.2, NM_001347917.1); c.228T>A, p.Ser76Arg (NM_001347914.2, NM_001347916.1, NM_130850.5 and 1 more transcripts); short protein forms S123R, S13R, S76R.
Identifiers: ClinVar variation 707581 (VCV000707581.15), dbSNP rs114957446, ClinGen allele CA7191806.

ClinVar aggregate classification (germline): Benign/Likely benign. Review status: criteria provided, multiple submitters, no conflicts (2 of 4 stars). 4 submissions from 4 submitters: Benign (3); Likely benign (1). Last evaluated 2026-01-07.

Conditions:
Microphthalmia with brain and digit anomalies (MCOPS6). Also called: MICROPHTHALMIA AND PITUITARY ANOMALIES; Microphthalmia, syndromic 6. Identifiers: Orphanet 139471, MedGen C1864689, MONDO:0011936, OMIM 607932.
Orofacial cleft 11 (OFC11). Also called: Orofacial cleft 11; ofc11; CLEFT LIP WITH OR WITHOUT CLEFT PALATE, NONSYNDROMIC, 11. Identifiers: MedGen C2677434, MONDO:0010906, OMIM 600625.

Allele frequency attached by ClinVar (database versions not stated): gnomAD exomes 0.00018 and 0.00059; ExAC 0.00077; 1000 Genomes Project 0.00160; 1000 Genomes Project 30x 0.00172; gnomAD 0.00202 and 0.00211; TOPMed 0.00211; ESP Exome Variant Server 0.00284.
gnomAD v4.1: 582 of 1,613,640 alleles (0.036%); highest among the groups gnomAD compares: African/African-American, 0.7%; 6 homozygotes.

Submissions (4):

Labcorp Genetics (formerly Invitae), Labcorp
Classification: Benign for Microphthalmia with brain and digit anomalies; Orofacial cleft 11. Last evaluated: 2026-01-07. Review status: criteria provided, single submitter. Criteria: Invitae Variant Classification Sherloc (09022015). Collection method: clinical testing. Allele origin: germline.

Blueprint Genetics
Classification: Likely benign. Last evaluated: 2024-07-15. Review status: criteria provided, single submitter. Criteria: ACMG Guidelines, 2015. Collection method: clinical testing. Allele origin: germline.

Illumina Laboratory Services, Illumina
Classification: Benign for Microphthalmia with brain and digit anomalies. Last evaluated: 2017-04-27. Review status: criteria provided, single submitter. Criteria: ICSL Variant Classification Criteria 13 December 2019. Collection method: clinical testing. Allele origin: germline.
Comment: This variant was observed as part of a predisposition screen in an ostensibly healthy population. A literature search was performed for the gene, cDNA change, and amino acid change (where applicable). No publications were found based on this search. Allele frequency data from public databases was too high to be consistent with this variant causing disease. Therefore, this variant is classified as benign.

Breakthrough Genomics
Classification: Benign. Review status: criteria provided, single submitter. Criteria: ACMG Guidelines, 2015. Collection method: not provided. Allele origin: germline. Inheritance: Autosomal dominant inheritance. Affected: yes.